The following is an entry in ClinVar:

NM_005506.4(SCARB2):c.1187+1G>A

Gene: SCARB2 (scavenger receptor class B member 2; minus strand). Cytogenetic location: 4q21.1.
Variant type: single nucleotide variant.
Coding change: c.1187+1G>A on transcript NM_005506.4 (MANE Select); the canonical splice donor site of the intron after coding-DNA position 1187, G replaced by A.
Molecular consequence: splice donor variant.
Genome position (GRCh38, 1-based): chr4:76,168,402, C>T on the plus strand (G>A on the coding strand, the complement: SCARB2 is on the minus strand). VCF-style: chr4-76168402-C-T. GRCh37 (hg19) VCF-style: chr4-77089555-C-T.
Other names: c.758+1G>A (NM_001204255.2).
Identifiers: ClinVar variation 3713540 (VCV003713540.2).

ClinVar aggregate classification (germline): Likely pathogenic (1 of 4 stars; one submission).

Conditions:
Progressive myoclonic epilepsy. Also called: Familial progressive myoclonic epilepsy; Myoclonus epilepsy; Progressive myoclonus epilepsy; Myoclonic Epilepsies, Progressive. Identifiers: Orphanet 308, Orphanet 98261, MedGen C0751778, MONDO:0020074.

gnomAD v4.1: 3 of 1,613,676 alleles (0.00019%); highest among the groups gnomAD compares: Non-Finnish European, 0.00017%; no homozygotes.

Submission:

Labcorp Genetics (formerly Invitae), Labcorp
Classification: Likely pathogenic for Progressive myoclonic epilepsy. Last evaluated: 2024-02-21. Review status: criteria provided, single submitter. Criteria: Invitae Variant Classification Sherloc (09022015). Collection method: clinical testing. Allele origin: germline.
Comment: This sequence change affects a donor splice site in intron 9 of the SCARB2 gene. It is expected to disrupt RNA splicing. Variants that disrupt the donor or acceptor splice site typically lead to a loss of protein function (PMID: 16199547), and loss-of-function variants in SCARB2 are known to be pathogenic (PMID: 19847901). This variant is present in population databases (no rsID available, gnomAD 0.004%). This variant has not been reported in the literature in individuals affected with SCARB2-related conditions. Algorithms developed to predict the effect of sequence changes on RNA splicing suggest that this variant may disrupt the consensus splice site. In summary, the currently available evidence indicates that the variant is pathogenic, but additional data are needed to prove that conclusively. Therefore, this variant has been classified as Likely Pathogenic.

Literature cited by the submitters: PubMed 16199547; PubMed 19847901.